The following is an entry in ClinVar:

NM_013275.6(ANKRD11):c.5018G>T (p.Gly1673Val)

Gene: ANKRD11 (ankyrin repeat domain 11; minus strand). Cytogenetic location: 16q24.3.
Variant type: single nucleotide variant.
Coding change: c.5018G>T on transcript NM_013275.6 (MANE Select); coding-DNA position 5018, G replaced by T.
Protein change: p.Gly1673Val; replaces glycine 1673 with valine.
Molecular consequence: missense variant.
Genome position (GRCh38, 1-based): chr16:89,281,524, C>A on the plus strand (G>T on the coding strand, the complement: ANKRD11 is on the minus strand). VCF-style: chr16-89281524-C-A. GRCh37 (hg19) VCF-style: chr16-89347932-C-A.
Other names: c.5018G>T, p.Gly1673Val (NM_001256182.2, NM_001256183.2); short protein forms G1673V.
Identifiers: ClinVar variation 1931998 (VCV001931998.5), dbSNP rs2544229948, ClinGen allele CA397155977.
Genomic context (GRCh38, chr16:89,281,524, plus strand): 5'-GGGGACGCAGGCAGGACCTCTTTCATGTGAGGGCCTGCCAGCCAGTCTTTGGAGTCTGCA[C>A]CTGATGCTGGGTGTAGCTTATTTTCCGCGGCAGGTGGAATAGGAGTCGACTCTTTGAGCT-3'
Protein context (NP_037407.4, residues 1663-1683): AAENKLHPAS[Gly1673Val]ADSKDWLAGP

ClinVar aggregate classification (germline): Uncertain significance (1 of 4 stars; one submission).

Conditions:
KBG syndrome (KBGS). Also called: ANKRD11-Related KBG Syndrome. Identifiers: Orphanet 2332, MedGen C0220687, MONDO:0007846, OMIM 148050.

gnomAD v4.1: 1 of 1,614,202 alleles (0.000062%); highest among the groups gnomAD compares: Non-Finnish European, 0.000085%; no homozygotes.

Submission:

Labcorp Genetics (formerly Invitae), Labcorp
Classification: Uncertain significance for KBG syndrome. Last evaluated: 2023-07-10. Review status: criteria provided, single submitter. Criteria: Invitae Variant Classification Sherloc (09022015). Collection method: clinical testing. Allele origin: germline.
Comment: This variant has not been reported in the literature in individuals affected with ANKRD11-related conditions. This variant is not present in population databases (gnomAD no frequency). This sequence change replaces glycine, which is neutral and non-polar, with valine, which is neutral and non-polar, at codon 1673 of the ANKRD11 protein (p.Gly1673Val). ClinVar contains an entry for this variant (Variation ID: 1931998). In summary, the available evidence is currently insufficient to determine the role of this variant in disease. Therefore, it has been classified as a Variant of Uncertain Significance. Advanced modeling of protein sequence and biophysical properties (such as structural, functional, and spatial information, amino acid conservation, physicochemical variation, residue mobility, and thermodynamic stability) performed at Invitae indicates that this missense variant is not expected to disrupt ANKRD11 protein function.